The following is an entry in ClinVar:

NM_000238.4(KCNH2):c.3478T>C (p.Ter1160Gln)

Gene: KCNH2 (potassium voltage-gated channel subfamily H member 2; minus strand). Cytogenetic location: 7q36.1.
Variant type: single nucleotide variant.
Coding change: c.3478T>C on transcript NM_000238.4 (MANE Select); coding-DNA position 3478, T replaced by C.
Protein change: p.Ter1160Gln.
Molecular consequence: stop lost.
Genome position (GRCh38, 1-based): chr7:150,945,367, A>G on the plus strand (T>C on the coding strand, the complement: KCNH2 is on the minus strand). VCF-style: chr7-150945367-A-G. GRCh37 (hg19) VCF-style: chr7-150642455-A-G.
Other names: c.3190T>C, p.Ter1064Gln (NM_001406753.1); c.2458T>C, p.Ter820Gln (NM_172057.3).
Identifiers: ClinVar variation 1731807 (VCV001731807.2), dbSNP rs2485994353, ClinGen allele CA369851337.

ClinVar aggregate classification (germline): Uncertain significance (1 of 4 stars; one submission).

Conditions:
Cardiovascular phenotype. Identifiers: MedGen CN230736.

Submission:

Ambry Genetics
Classification: Uncertain significance for Cardiovascular phenotype. Last evaluated: 2020-12-31. Review status: criteria provided, single submitter. Criteria: Ambry Variant Classification Scheme 2023. Collection method: clinical testing. Allele origin: germline.
Comment: The c.3478T>C variant (also known as p.*1160Qext*30), located in coding exon 15 of the KCNH2 gene, results from a T to C substitution at nucleotide position 3478. This alteration disrupts the stop codon of the KCNH2 gene and is predicted to preserve the native sequence while resulting in the elongation of the protein by 30 amino acids. The exact functional effect of the additional amino acids is unknown. Since supporting evidence is limited at this time, the clinical significance of this alteration remains unclear.